The following is an entry in ClinVar:

NM_030665.4(RAI1):c.1502C>T (p.Pro501Leu)

Gene: RAI1 (retinoic acid induced 1; plus strand). Cytogenetic location: 17p11.2.
Variant type: single nucleotide variant.
Coding change: c.1502C>T on transcript NM_030665.4 (MANE Select); coding-DNA position 1502, C replaced by T.
Protein change: p.Pro501Leu; replaces proline 501 with leucine.
Molecular consequence: missense variant.
Genome position (GRCh38, 1-based): chr17:17,794,450, C>T. VCF-style: chr17-17794450-C-T. GRCh37 (hg19) VCF-style: chr17-17697764-C-T.
Other names: c.1502C>T (NM_030665.3); short protein forms P501L.
Identifiers: ClinVar variation 2198210 (VCV002198210.5), dbSNP rs147951584, ClinGen allele CA8418344.
Genomic context (GRCh38, chr17:17,794,450, plus strand): 5'-GCAGCCCCGAAGGGAGCGGCTACTCAGCCGAGCCCGCAGGCACACCGCTGTCAGAGCCGC[C>T]GAGCAGCACGCCACAGTCCACGCATGCGGAGCCGCAGGAGGCCGACTACCTGAGCGGCTC-3'
Protein context (NP_109590.3, residues 491-511): EPAGTPLSEP[Pro501Leu]SSTPQSTHAE

ClinVar aggregate classification (germline): Uncertain significance. Review status: criteria provided, multiple submitters, no conflicts (2 of 4 stars). 2 submissions from 2 submitters: Uncertain significance (2). Last evaluated 2025-08-06.

Conditions:
RAI1-related disorder. Also called: RAI1-related condition.

Allele frequency attached by ClinVar (database versions not stated): gnomAD 0.00001; TOPMed 0.00002; ExAC 0.00003; ESP Exome Variant Server 0.00008.
gnomAD v4.1: 24 of 1,612,484 alleles (0.0015%); highest among the groups gnomAD compares: Middle Eastern, 0.016%; no homozygotes.

Submissions (2):

PreventionGenetics, part of Exact Sciences
Classification: Uncertain significance for RAI1-related condition. Last evaluated: 2025-08-06. Review status: criteria provided, single submitter. Criteria: ACMG Guidelines, 2015. Collection method: clinical testing. Allele origin: germline.
Comment: The RAI1 c.1502C>T variant is predicted to result in the amino acid substitution p.Pro501Leu. To our knowledge, this variant has not been reported in the literature. This variant is reported in 0.0082% of alleles in individuals of African descent in gnomAD. At this time, the clinical significance of this variant is uncertain due to the absence of conclusive functional and genetic evidence.

Labcorp Genetics (formerly Invitae), Labcorp
Classification: Uncertain significance. Last evaluated: 2024-10-30. Review status: criteria provided, single submitter. Criteria: Invitae Variant Classification Sherloc (09022015). Collection method: clinical testing. Allele origin: germline.
Comment: This sequence change replaces proline, which is neutral and non-polar, with leucine, which is neutral and non-polar, at codon 501 of the RAI1 protein (p.Pro501Leu). This variant is present in population databases (rs147951584, gnomAD 0.005%). This variant has not been reported in the literature in individuals affected with RAI1-related conditions. ClinVar contains an entry for this variant (Variation ID: 2198210). An algorithm developed to predict the effect of missense changes on protein structure and function outputs the following: PolyPhen-2: "Benign". The leucine amino acid residue is found in multiple mammalian species, which suggests that this missense change does not adversely affect protein function. In summary, the available evidence is currently insufficient to determine the role of this variant in disease. Therefore, it has been classified as a Variant of Uncertain Significance.